The following is an entry in ClinVar:

ClinVar aggregate classification (germline): Uncertain significance. Review status: criteria provided, multiple submitters, no conflicts (2 of 4 stars). 3 submissions from 3 submitters: Uncertain significance (2). 1 of the submissions does not count toward it. Last evaluated 2025-08-20.

Conditions:
Autosomal recessive limb-girdle muscular dystrophy type 2D (LGMDR3). Also called: MUSCULAR DYSTROPHY, LIMB-GIRDLE, AUTOSOMAL RECESSIVE 3; DUCHENNE-LIKE AUTOSOMAL RECESSIVE MUSCULAR DYSTROPHY, TYPE 2; ADHALINOPATHY, PRIMARY. Identifiers: Orphanet 62, MedGen C2936332, MONDO:0011968, OMIM 608099. Disease mechanism: Affects gamma-sarcoglycan and also disrupts the integrity of the entire sarcoglycan complex..

Submissions (3):

Labcorp Genetics (formerly Invitae), Labcorp
Classification: Uncertain significance for Autosomal recessive limb-girdle muscular dystrophy type 2D. Last evaluated: 2025-08-20. Review status: criteria provided, single submitter. Criteria: Invitae Variant Classification Sherloc (09022015). Collection method: clinical testing. Allele origin: germline.
Comment: This variant, c.288_290del, results in the deletion of 1 amino acid(s) of the SGCA protein (p.Glu96del), but otherwise preserves the integrity of the reading frame. This variant is not present in population databases (gnomAD no frequency). This variant has been observed in individual(s) with muscular dystrophy (PMID: 32875335). Experimental studies and prediction algorithms are not available or were not evaluated, and the functional significance of this variant is currently unknown. In summary, the available evidence is currently insufficient to determine the role of this variant in disease. Therefore, it has been classified as a Variant of Uncertain Significance.

Revvity Omics, Revvity
Classification: Uncertain significance for Autosomal recessive limb-girdle muscular dystrophy type 2D. Last evaluated: 2024-03-28. Review status: criteria provided, single submitter. Criteria: ACMG Guidelines, 2015. Collection method: clinical testing. Allele origin: germline.

Counsyl
Classification: Uncertain significance for Autosomal recessive limb-girdle muscular dystrophy type 2D. Last evaluated: 2017-03-29. Review status: no assertion criteria provided. Collection method: clinical testing. Allele origin: unknown. Not counted in ClinVar's aggregate classification.

Literature cited by the submitters: PubMed 32875335 (cited by Labcorp Genetics (formerly Invitae), Labcorp).

NM_000023.4(SGCA):c.285AGA[1] (p.Glu96del)

Gene: SGCA (sarcoglycan alpha; plus strand). Cytogenetic location: 17q21.33.
Variant type: Microsatellite.
Coding change: c.285AGA[1] on transcript NM_000023.4 (MANE Select); one copy of the 3-base unit AGA starting at c.285; the reference has two copies in a row; one copy, 3 bases deleted; also written c.288_290del.
Protein change: p.Glu96del; deletes glutamic acid 96.
Molecular consequence: inframe deletion. On other transcripts: non-coding transcript variant (1).
Genome position (GRCh38, 1-based): chr17:50,167,712-50,167,714, AGA deleted; deleting any 3 consecutive bases within chr17:50,167,709-50,167,714 gives the same sequence; the position shown is the placement nearest the transcript's 3' end. VCF-style (leftmost placement, unchanged base first): chr17-50167708-CAGA-C. GRCh37 (hg19) VCF-style: chr17-48245069-CAGA-C.
Other names: c.288_290del (NM_000023.4); c.285AGA[1], p.Glu96del (NM_001135697.3); short protein forms E96del.
Identifiers: ClinVar variation 551278 (VCV000551278.4), dbSNP rs1555568389, ClinGen allele CA658824849.